The following is an entry in ClinVar:

ClinVar aggregate classification (germline): Uncertain significance (1 of 4 stars; one submission).

Allele frequency attached by ClinVar (database versions not stated): TOPMed below 0.00001.

Submission:

Ambry Genetics
Classification: Uncertain significance. Last evaluated: 2023-08-03. Review status: criteria provided, single submitter. Criteria: Ambry Variant Classification Scheme 2023. Collection method: clinical testing. Allele origin: germline.
Comment: The p.E119K variant (also known as c.355G>A), located in coding exon 1 of the GALNT12 gene, results from a G to A substitution at nucleotide position 355. The glutamic acid at codon 119 is replaced by lysine, an amino acid with similar properties. This amino acid position is conserved. In addition, the in silico prediction for this alteration is inconclusive. Since supporting evidence is limited at this time, the clinical significance of this alteration remains unclear.

NM_024642.5(GALNT12):c.355G>A (p.Glu119Lys)

Gene: GALNT12 (polypeptide N-acetylgalactosaminyltransferase 12; plus strand). Cytogenetic location: 9q22.33.
Variant type: single nucleotide variant.
Coding change: c.355G>A on transcript NM_024642.5 (MANE Select); coding-DNA position 355, G replaced by A.
Protein change: p.Glu119Lys; replaces glutamic acid 119 with lysine.
Molecular consequence: missense variant.
Genome position (GRCh38, 1-based): chr9:98,808,053, G>A. VCF-style: chr9-98808053-G-A. GRCh37 (hg19) VCF-style: chr9-101570335-G-A.
Other names: short protein forms E119K.
Identifiers: ClinVar variation 2624762 (VCV002624762.2), dbSNP rs1368031423, ClinGen allele CA374223119.